The following is an entry in ClinVar:

ClinVar aggregate classification (germline): Uncertain significance. Review status: criteria provided, multiple submitters, no conflicts (2 of 4 stars). 2 submissions from 2 submitters: Uncertain significance (2). Last evaluated 2024-11-26.

Conditions:
Baller-Gerold syndrome (BGS). Also called: CRANIOSYNOSTOSIS WITH RADIAL DEFECTS. Identifiers: Orphanet 1225, MedGen C0265308, MONDO:0009039, OMIM 218600.
Inborn genetic diseases. Identifiers: MedGen C0950123, MeSH D030342.

Allele frequency attached by ClinVar (database versions not stated): ExAC 0.00001; gnomAD 0.00001; gnomAD exomes 0.00001; TOPMed 0.00001.
gnomAD v4.1: 6 of 1,613,216 alleles (0.00037%); highest among the groups gnomAD compares: African/African-American, 0.0067%; no homozygotes.

Submissions (2):

Ambry Genetics
Classification: Uncertain significance for Inborn genetic diseases. Last evaluated: 2024-11-26. Review status: criteria provided, single submitter. Criteria: Ambry Variant Classification Scheme 2023. Collection method: clinical testing. Allele origin: germline.
Comment: The p.S323I variant (also known as c.968G>T), located in coding exon 5 of the RECQL4 gene, results from a G to T substitution at nucleotide position 968. The serine at codon 323 is replaced by isoleucine, an amino acid with dissimilar properties. This amino acid position is conserved. In addition, this alteration is predicted to be tolerated by in silico analysis. Based on the available evidence, the clinical significance of this variant remains unclear.

Labcorp Genetics (formerly Invitae), Labcorp
Classification: Uncertain significance for Baller-Gerold syndrome. Last evaluated: 2024-04-22. Review status: criteria provided, single submitter. Criteria: Invitae Variant Classification Sherloc (09022015). Collection method: clinical testing. Allele origin: germline.
Comment: This sequence change replaces serine, which is neutral and polar, with isoleucine, which is neutral and non-polar, at codon 323 of the RECQL4 protein (p.Ser323Ile). This variant is present in population databases (rs769792064, gnomAD 0.008%). This variant has not been reported in the literature in individuals affected with RECQL4-related conditions. ClinVar contains an entry for this variant (Variation ID: 568702). Experimental studies and prediction algorithms are not available or were not evaluated, and the functional significance of this variant is currently unknown. In summary, the available evidence is currently insufficient to determine the role of this variant in disease. Therefore, it has been classified as a Variant of Uncertain Significance.

NM_004260.4(RECQL4):c.968G>T (p.Ser323Ile)

Gene: RECQL4 (RecQ like helicase 4; minus strand). Cytogenetic location: 8q24.3.
Variant type: single nucleotide variant.
Coding change: c.968G>T on transcript NM_004260.4 (MANE Select); coding-DNA position 968, G replaced by T.
Protein change: p.Ser323Ile; replaces serine 323 with isoleucine.
Molecular consequence: missense variant.
Genome position (GRCh38, 1-based): chr8:144,516,151, C>A on the plus strand (G>T on the coding strand, the complement: RECQL4 is on the minus strand). VCF-style: chr8-144516151-C-A. GRCh37 (hg19) VCF-style: chr8-145741535-C-A.
Other names: short protein forms S323I.
Identifiers: ClinVar variation 568702 (VCV000568702.7), dbSNP rs769792064, ClinGen allele CA4949124.